The following is an entry in ClinVar:

ClinVar aggregate classification (germline): Pathogenic (1 of 4 stars; one submission).

Conditions:
Hereditary breast ovarian cancer syndrome. Also called: Hereditary breast and/or ovarian cancer syndrome; BRCA1- and BRCA2-Associated Hereditary Breast and Ovarian Cancer; Breast and ovarian cancer; Hereditary breast and ovarian cancer; Hereditary breast and ovarian cancer syndrome (HBOC); Hereditary breast and ovarian cancer syndrome. Identifiers: Orphanet 145, MedGen C0677776, MeSH D061325, MONDO:0003582. Disease mechanism: loss of function.

Submission:

Labcorp Genetics (formerly Invitae), Labcorp
Classification: Pathogenic for Hereditary breast ovarian cancer syndrome. Last evaluated: 2022-09-26. Review status: criteria provided, single submitter. Criteria: Invitae Variant Classification Sherloc (09022015). Collection method: clinical testing. Allele origin: germline.
Comment: For these reasons, this variant has been classified as Pathogenic. This variant has not been reported in the literature in individuals affected with BRCA2-related conditions. This variant is not present in population databases (gnomAD no frequency). This sequence change creates a premature translational stop signal (p.Glu2981Argfs*35) in the BRCA2 gene. It is expected to result in an absent or disrupted protein product. Loss-of-function variants in BRCA2 are known to be pathogenic (PMID: 20104584).

Literature cited by the submitters: PubMed 20104584.

NM_000059.4(BRCA2):c.8941_8945del (p.Glu2981fs)

Gene: BRCA2 (BRCA2 DNA repair associated; plus strand). Cytogenetic location: 13q13.1.
Variant type: Deletion.
Coding change: c.8941_8945del on transcript NM_000059.4 (MANE Select); coding-DNA positions 8941 to 8945, 5 bases deleted (GAAAA; older notation c.8941_8945delGAAAA).
Protein change: p.Glu2981fs; shifts the reading frame from glutamic acid 2981.
Molecular consequence: frameshift variant.
Genome position (GRCh38, 1-based): chr13:32,379,503-32,379,507, GAAAA deleted; deleting any 5 consecutive bases within chr13:32,379,499-32,379,507 gives the same sequence; the c. name uses the placement nearest the transcript's 3' end. VCF-style (leftmost placement, unchanged base first): chr13-32379498-AAAAAG-A. GRCh37 (hg19) VCF-style: chr13-32953635-AAAAAG-A.
Other names: c.8845_8849delGAAAA, p.Glu2949Argfs (NM_001406719.1); c.8941_8945delGAAAA, p.Glu2981Argfs (NM_001406720.1); c.4009_4013delGAAAA, p.Glu1337Argfs (NM_001406721.1); c.2524_2528delGAAAA, p.Glu842Argfs (NM_001406722.1); short protein forms E2981fs.
Identifiers: ClinVar variation 2032652 (VCV002032652.4), dbSNP rs2548555307, ClinGen allele CA2580087472.
Genomic context (GRCh38, chr13:32,379,498, plus strand): 5'-AACAAGGTTTATCAAGGGATGTCACAACCGTGTGGAAGTTGCGTATTGTAAGCTATTCAA[AAAAAG>A]AAAAAGATTCAGGTAAGTATGTAAATGCTTTGTTTTTATCAGTTTTATTAACTTAAAAAA-3'